The following is an entry in ClinVar:

NM_024422.6(DSC2):c.2019C>T (p.Thr673=)

Gene: DSC2 (desmocollin 2; minus strand). Cytogenetic location: 18q12.1.
Variant type: single nucleotide variant.
Coding change: c.2019C>T on transcript NM_024422.6 (MANE Select); coding-DNA position 2019, C replaced by T.
Protein change: p.Thr673=; no amino-acid change (threonine 673 retained).
Molecular consequence: synonymous variant.
Genome position (GRCh38, 1-based): chr18:31,071,711, G>A on the plus strand (C>T on the coding strand, the complement: DSC2 is on the minus strand). VCF-style: chr18-31071711-G-A. GRCh37 (hg19) VCF-style: chr18-28651677-G-A.
Other names: p.Thr673Thr; c.2019C>T, p.Thr673= (NM_004949.5).
Identifiers: ClinVar variation 226617 (VCV000226617.58), dbSNP rs201469817, ClinGen allele CA034276.
Genomic context (GRCh38, chr18:31,071,711, plus strand): 5'-TCCAAGTTGTACTCCTCCACCGCCAATCCTTGGATCTACACGATGTGTGCAGTCATTTTC[G>A]GTAATGCAGTCACACAGTGTAACATCCAATGAAGTGACACTAGACATGCCAAGTCTATCT-3'
Protein context (NP_077740.1, residues 663-683): SLDVTLCDCI[Thr673=]ENDCTHRVDP

ClinVar aggregate classification (germline): Benign/Likely benign. Review status: criteria provided, multiple submitters, no conflicts (2 of 4 stars). 11 submissions from 11 submitters: Benign (8); Likely benign (3). Last evaluated 2026-01-25.

Conditions:
Cardiovascular phenotype. Identifiers: MedGen CN230736.
Familial isolated arrhythmogenic right ventricular dysplasia. Identifiers: Orphanet 217656, MedGen C4274968, MONDO:0016342.
Cardiomyopathy (CMYO). Also called: Cardiomyopathies. Identifiers: Orphanet 167848, MedGen C0878544, MONDO:0004994, HP:0001638. Inheritance: Various modes of inheritance.
Arrhythmogenic right ventricular dysplasia 11. Also called: Arrhythmogenic Right Ventricular Dysplasia/Cardiomyopathy11; Arrhythmogenic right ventricular dysplasia 11 with mild palmoplantar keratoderma and woolly hair; ARRHYTHMOGENIC RIGHT VENTRICULAR DYSPLASIA, FAMILIAL, 11. Identifiers: MedGen C1864850, MONDO:0012506, OMIM 610476.

Allele frequency attached by ClinVar (database versions not stated): gnomAD 0.00015 and 0.00022; gnomAD exomes 0.00020 and 0.00050; TOPMed 0.00037; 1000 Genomes Project 30x 0.00047; ExAC 0.00050; 1000 Genomes Project 0.00060.
gnomAD v4.1: 329 of 1,613,974 alleles (0.02%); highest among the groups gnomAD compares: East Asian, 0.42%; no homozygotes.

Submissions (11):

Labcorp Genetics (formerly Invitae), Labcorp
Classification: Benign for Arrhythmogenic right ventricular dysplasia 11. Last evaluated: 2026-01-25. Review status: criteria provided, single submitter. Criteria: Invitae Variant Classification Sherloc (09022015). Collection method: clinical testing. Allele origin: germline.

Molecular Diagnostic Laboratory for Inherited Cardiovascular Disease, Montreal Heart Institute
Classification: Benign. Last evaluated: 2025-07-24. Review status: criteria provided, single submitter. Criteria: ACMG Guidelines, 2015. Collection method: clinical testing. Allele origin: germline. Affected: no.

Blueprint Genetics
Classification: Likely benign. Last evaluated: 2024-09-10. Review status: criteria provided, single submitter. Criteria: ACMG Guidelines, 2015. Collection method: clinical testing. Allele origin: germline.

All of Us Research Program, National Institutes of Health
Classification: Benign for Familial isolated arrhythmogenic right ventricular dysplasia. Last evaluated: 2024-02-05. Review status: criteria provided, single submitter. Criteria: ACMG Guidelines, 2015. Collection method: clinical testing. Allele origin: germline. Inheritance: Autosomal dominant inheritance. Observed: 53 variant alleles, 53 heterozygotes.
Comment: This study involves interpretation of variants in research participants for the purpose of population health screening. Participant phenotype was not available at the time of variant classification. Additional details can be found in publication PMID: 35346344, PMCID: PMC8962531

CeGaT Center for Human Genetics Tuebingen
Classification: Likely benign. Last evaluated: 2023-08-01. Review status: criteria provided, single submitter. Criteria: CeGaT Center For Human Genetics Tuebingen Variant Classification Criteria Version 2. Collection method: clinical testing. Allele origin: germline. Affected: yes. Observed: 1 variant allele.
Comment: DSC2: BP4, BP7

Ambry Genetics
Classification: Likely benign for Cardiovascular phenotype. Last evaluated: 2019-07-24. Review status: criteria provided, single submitter. Criteria: Ambry Variant Classification Scheme 2023. Collection method: clinical testing. Allele origin: germline.

Women's Health and Genetics/Laboratory Corporation of America, LabCorp
Classification: Benign. Last evaluated: 2018-10-29. Review status: criteria provided, single submitter. Criteria: LabCorp Variant Classification Summary - May 2015. Collection method: clinical testing. Allele origin: germline.
Comment: Variant summary: DSC2 c.2019C>T alters a non-conserved nucleotide resulting in a synonymous change. 5/5 computational tools predict no significant impact on normal splicing. However, these predictions have yet to be confirmed by functional studies. The variant allele was found at a frequency of 0.00046 in 276410 control chromosomes, predominantly at a frequency of 0.006 within the East Asian subpopulation in the gnomAD database. The observed variant frequency within East Asian control individuals in the gnomAD database is approximately 240 fold of the estimated maximal expected allele frequency for a pathogenic variant in DSC2 causing Cardiomyopathy phenotype (2.5e-05), strongly suggesting that the variant is a benign polymorphism found primarily in populations of East Asian origin. To our knowledge, no occurrence of c.2019C>T in individuals affected with Cardiomyopathy and no experimental evidence demonstrating its impact on protein function have been reported. Three clinical diagnostic laboratories have submitted clinical-significance assessments for this variant to ClinVar after 2014 without evidence for independent evaluation. All laboratories classified the variant as benign. Based on the evidence outlined above, the variant was classified as benign.

Illumina Laboratory Services, Illumina
Classification: Benign for Arrhythmogenic right ventricular dysplasia 11. Last evaluated: 2018-10-26. Review status: criteria provided, single submitter. Criteria: ICSL Variant Classification Criteria 13 December 2019. Collection method: clinical testing. Allele origin: germline.
Comment: This variant was observed as part of a predisposition screen in an ostensibly healthy population. A literature search was performed for the gene, cDNA change, and amino acid change (where applicable). No publications were found based on this search. Allele frequency data from public databases was too high to be consistent with this variant causing disease. Therefore, this variant is classified as benign.

Color Diagnostics, LLC DBA Color Health
Classification: Benign for Cardiomyopathy. Last evaluated: 2018-10-02. Review status: criteria provided, single submitter. Criteria: ACMG Guidelines, 2015. Collection method: clinical testing. Allele origin: germline.

GeneDx
Classification: Benign. Last evaluated: 2015-07-23. Review status: criteria provided, single submitter. Criteria: GeneDx Variant Classification (06012015). Collection method: clinical testing. Allele origin: germline. Affected: yes.
Comment: This variant is considered likely benign or benign based on one or more of the following criteria: it is a conservative change, it occurs at a poorly conserved position in the protein, it is predicted to be benign by multiple in silico algorithms, and/or has population frequency not consistent with disease.

Laboratory for Molecular Medicine, Mass General Brigham Personalized Medicine
Classification: Benign. Last evaluated: 2015-06-25. Review status: criteria provided, single submitter. Criteria: LMM Criteria. Collection method: clinical testing. Allele origin: germline. Observed: 1 variant allele.
Comment: p.Thr673Thr in exon 13 of DSC2: This variant is not expected to have clinical si gnificance because it does not alter an amino acid residue, is not located withi n the splice consensus sequence, and has been identified in 0.6% (54/8528) of Ea st Asian chromosomes by the Exome Aggregation Consortium (ExAC; dbSNP rs201469817).